The following is an entry in ClinVar:

NM_020911.2(PLXNA4):c.4278G>C (p.Leu1426=)

Gene: PLXNA4 (plexin A4; minus strand). Cytogenetic location: 7q32.3.
Variant type: single nucleotide variant.
Coding change: c.4278G>C on transcript NM_020911.2 (MANE Select); coding-DNA position 4278, G replaced by C.
Protein change: p.Leu1426=; no amino-acid change (leucine 1426 retained).
Molecular consequence: synonymous variant.
Genome position (GRCh38, 1-based): chr7:132,168,312, C>G on the plus strand (G>C on the coding strand, the complement: PLXNA4 is on the minus strand). VCF-style: chr7-132168312-C-G. GRCh37 (hg19) VCF-style: chr7-131853071-C-G.
Other names: c.4278G>C, p.Leu1426= (NM_001393897.1).
Identifiers: ClinVar variation 2629514 (VCV002629514.3), dbSNP rs1168482740, ClinGen allele CA457679395.

ClinVar aggregate classification (germline): Likely benign (0 of 4 stars; one submission).

Conditions:
PLXNA4-related disorder. Also called: PLXNA4-related condition.

Allele frequency attached by ClinVar (database versions not stated): TOPMed below 0.00001; gnomAD 0.00001.
gnomAD v4.1: 27 of 1,551,370 alleles (0.0017%); highest among the groups gnomAD compares: African/African-American, 0.0027%; no homozygotes.

Submission:

PreventionGenetics, part of Exact Sciences
Classification: Likely benign for PLXNA4-related condition. Last evaluated: 2023-12-12. Review status: no assertion criteria provided. Collection method: clinical testing. Allele origin: germline.
Comment: This variant is classified as likely benign based on ACMG/AMP sequence variant interpretation guidelines (Richards et al. 2015 PMID: 25741868, with internal and published modifications).